The following is an entry in ClinVar:

ClinVar aggregate classification (germline): Uncertain significance. Review status: criteria provided, multiple submitters, no conflicts (2 of 4 stars). 2 submissions from 2 submitters: Uncertain significance (2). Last evaluated 2025-12-10.

Allele frequency attached by ClinVar (database versions not stated): gnomAD exomes below 0.00001.
gnomAD v4.1: 5 of 1,614,096 alleles (0.00031%); highest among the groups gnomAD compares: Non-Finnish European, 0.00042%; no homozygotes.

Submissions (2):

Women's Health and Genetics/Laboratory Corporation of America, LabCorp
Classification: Uncertain significance. Last evaluated: 2025-12-10. Review status: criteria provided, single submitter. Criteria: LabCorp Variant Classification Summary - May 2015. Collection method: clinical testing. Allele origin: germline.
Comment: Variant summary: KMT2E c.931A>G (p.Asn311Asp) results in a conservative amino acid change in the encoded protein sequence. Algorithms developed to predict the effect of missense changes on protein structure and function are either unavailable or do not agree on the potential impact of this missense change. The variant was absent in 251188 control chromosomes. The available data on variant occurrences in the general population are insufficient to allow any conclusion about variant significance. To our knowledge, no occurrence of c.931A>G in individuals affected with KMT2E-related conditions and no experimental evidence demonstrating its impact on protein function have been reported. ClinVar contains an entry for this variant (Variation ID: 2715526). Based on the evidence outlined above, the variant was classified as uncertain significance.

Labcorp Genetics (formerly Invitae), Labcorp
Classification: Uncertain significance. Last evaluated: 2023-02-03. Review status: criteria provided, single submitter. Criteria: Invitae Variant Classification Sherloc (09022015). Collection method: clinical testing. Allele origin: germline.
Comment: This variant is not present in population databases (gnomAD no frequency). This sequence change replaces asparagine, which is neutral and polar, with aspartic acid, which is acidic and polar, at codon 311 of the KMT2E protein (p.Asn311Asp). This variant has not been reported in the literature in individuals affected with KMT2E-related conditions. Advanced modeling of protein sequence and biophysical properties (such as structural, functional, and spatial information, amino acid conservation, physicochemical variation, residue mobility, and thermodynamic stability) performed at Invitae indicates that this missense variant is not expected to disrupt KMT2E protein function. In summary, the available evidence is currently insufficient to determine the role of this variant in disease. Therefore, it has been classified as a Variant of Uncertain Significance.

NM_182931.3(KMT2E):c.931A>G (p.Asn311Asp)

Gene: KMT2E (lysine methyltransferase 2E (inactive); plus strand). Cytogenetic location: 7q22.3.
Variant type: single nucleotide variant.
Coding change: c.931A>G on transcript NM_182931.3 (MANE Select); coding-DNA position 931, A replaced by G.
Protein change: p.Asn311Asp; replaces asparagine 311 with aspartic acid.
Molecular consequence: missense variant.
Genome position (GRCh38, 1-based): chr7:105,077,125, A>G. VCF-style: chr7-105077125-A-G. GRCh37 (hg19) VCF-style: chr7-104717572-A-G.
Other names: c.931A>G, p.Asn311Asp (NM_001410908.1, NM_018682.4); short protein forms N311D.
Identifiers: ClinVar variation 2715526 (VCV002715526.4), dbSNP rs199977896, ClinGen allele CA163989997.